The following is an entry in ClinVar:

NM_001082486.2(ACD):c.1217A>G (p.Lys406Arg)

Gene: ACD (ACD shelterin complex subunit and telomerase recruitment factor; minus strand). Cytogenetic location: 16q22.1.
Variant type: single nucleotide variant.
Coding change: c.1217A>G on transcript NM_001082486.2 (MANE Select); coding-DNA position 1217, A replaced by G.
Protein change: p.Lys406Arg; replaces lysine 406 with arginine.
Molecular consequence: missense variant.
Genome position (GRCh38, 1-based): chr16:67,657,843, T>C on the plus strand (A>G on the coding strand, the complement: ACD is on the minus strand). VCF-style: chr16-67657843-T-C. GRCh37 (hg19) VCF-style: chr16-67691746-T-C.
Other names: c.1208A>G, p.Lys403Arg (NM_022914.3); short protein forms K403R, K406R.
Identifiers: ClinVar variation 968637 (VCV000968637.12), dbSNP rs773274371, ClinGen allele CA8114395.

ClinVar aggregate classification (germline): Uncertain significance. Review status: criteria provided, multiple submitters, no conflicts (2 of 4 stars). 2 submissions from 2 submitters: Uncertain significance (2). Last evaluated 2025-01-09.

Conditions:
Dyskeratosis congenita, autosomal dominant 6 (DKCA6). Identifiers: Orphanet 3322, MedGen C4225284, MONDO:0014690, OMIM 616553.
Inborn genetic diseases. Identifiers: MedGen C0950123, MeSH D030342.

Allele frequency attached by ClinVar (database versions not stated): gnomAD exomes below 0.00001; ExAC 0.00001; TOPMed 0.00001; gnomAD 0.00002.
gnomAD v4.1: 5 of 1,613,926 alleles (0.00031%); highest among the groups gnomAD compares: African/African-American, 0.0053%; no homozygotes.

Submissions (2):

Ambry Genetics
Classification: Uncertain significance for Inborn genetic diseases. Last evaluated: 2025-01-09. Review status: criteria provided, single submitter. Criteria: Ambry Variant Classification Scheme 2023. Collection method: clinical testing. Allele origin: germline.

Labcorp Genetics (formerly Invitae), Labcorp
Classification: Uncertain significance for Dyskeratosis congenita, autosomal dominant 6. Last evaluated: 2022-01-17. Review status: criteria provided, single submitter. Criteria: Invitae Variant Classification Sherloc (09022015). Collection method: clinical testing. Allele origin: germline.
Comment: In summary, the available evidence is currently insufficient to determine the role of this variant in disease. Therefore, it has been classified as a Variant of Uncertain Significance. Algorithms developed to predict the effect of missense changes on protein structure and function are either unavailable or do not agree on the potential impact of this missense change (SIFT: "Tolerated"; PolyPhen-2: "Possibly Damaging"; Align-GVGD: "Class C0"). ClinVar contains an entry for this variant (Variation ID: 968637). This variant has not been reported in the literature in individuals affected with ACD-related conditions. This variant is present in population databases (rs773274371, gnomAD 0.01%). This sequence change replaces lysine, which is basic and polar, with arginine, which is basic and polar, at codon 492 of the ACD protein (p.Lys492Arg).